The following is an entry in ClinVar:

NM_052947.4(ALPK2):c.3935A>G (p.Glu1312Gly)

Genes: ALPK2 (alpha kinase 2; minus strand), LOC126862764 (BRD4-independent group 4 enhancer GRCh37_chr18:56202574-56203773; plus strand). Cytogenetic location: 18q21.31.
Variant type: single nucleotide variant.
Coding change: c.3935A>G on transcript NM_052947.4 (MANE Select); coding-DNA position 3935, A replaced by G.
Protein change: p.Glu1312Gly; replaces glutamic acid 1312 with glycine.
Molecular consequence: missense variant.
Genome position (GRCh38, 1-based): chr18:58,536,252, T>C on the plus strand (A>G on the coding strand, the complement: ALPK2 is on the minus strand). VCF-style: chr18-58536252-T-C. GRCh37 (hg19) VCF-style: chr18-56203484-T-C.
Other names: short protein forms E1312G.
Identifiers: ClinVar variation 3531534 (VCV003531534.1).

ClinVar aggregate classification (germline): Uncertain significance (1 of 4 stars; one submission).

gnomAD v4.1: 1 of 1,614,232 alleles (0.000062%); highest among the groups gnomAD compares: Non-Finnish European, 0.000085%; no homozygotes.

Submission:

Ambry Genetics
Classification: Uncertain significance. Last evaluated: 2024-09-18. Review status: criteria provided, single submitter. Criteria: Ambry Variant Classification Scheme 2023. Collection method: clinical testing. Allele origin: germline.
Comment: The p.E1312G variant (also known as c.3935A>G), located in coding exon 4 of the ALPK2 gene, results from an A to G substitution at nucleotide position 3935. The glutamic acid at codon 1312 is replaced by glycine, an amino acid with similar properties. This amino acid position is conserved. In addition, this alteration is predicted to be tolerated by in silico analysis. Based on the available evidence, the clinical significance of this variant remains unclear.